The following is an entry in ClinVar:

ClinVar aggregate classification (germline): Likely benign (1 of 4 stars; one submission).

Conditions:
Familial cancer of breast. Also called: BREAST CANCER, FAMILIAL; Hereditary breast cancer; hereditary breast carcinoma. Identifiers: Orphanet 227535, MedGen C0346153, MONDO:0016419, OMIM 114480. Disease mechanism: loss of function.

Submission:

Myriad Genetics, Inc.
Classification: Likely benign for Familial cancer of breast. Last evaluated: 2024-04-25. Review status: criteria provided, single submitter. Criteria: Myriad Autosomal Dominant, Autosomal Recessive and X-Linked Classification Criteria (2023). Collection method: clinical testing. Allele origin: unknown.
Comment: This variant is considered likely benign. This variant is intronic and is not expected to impact mRNA splicing.

NM_000051.4(ATM):c.1066-8T>C

Gene: ATM (ATM serine/threonine kinase; plus strand). Cytogenetic location: 11q22.3.
Variant type: single nucleotide variant.
Coding change: c.1066-8T>C on transcript NM_000051.4 (MANE Select); 8 bases into the intron before coding-DNA position 1066, T replaced by C.
Molecular consequence: intron variant.
Genome position (GRCh38, 1-based): chr11:108,248,925, T>C. VCF-style: chr11-108248925-T-C. GRCh37 (hg19) VCF-style: chr11-108119652-T-C.
Other names: c.1066-8T>C (NM_001351834.2).
Identifiers: ClinVar variation 3253876 (VCV003253876.1), dbSNP rs2135289640.